The following is an entry in ClinVar:

NM_004553.6(NDUFS6):c.17C>T (p.Thr6Ile)

Genes: MRPL36 (mitochondrial ribosomal protein L36; minus strand), NDUFS6 (NADH:ubiquinone oxidoreductase subunit S6; plus strand). Cytogenetic location: 5p15.33.
Variant type: single nucleotide variant.
Coding change: c.17C>T on transcript NM_004553.6 (MANE Select); coding-DNA position 17, C replaced by T.
Protein change: p.Thr6Ile; replaces threonine 6 with isoleucine.
Molecular consequence: missense variant.
Genome position (GRCh38, 1-based): chr5:1,801,434, C>T. VCF-style: chr5-1801434-C-T. GRCh37 (hg19) VCF-style: chr5-1801548-C-T.
Other names: c.17C>T (NM_004553.4); short protein forms T6I.
Identifiers: ClinVar variation 2138880 (VCV002138880.4), dbSNP rs754131778, ClinGen allele CA320319.

ClinVar aggregate classification (germline): Uncertain significance. Review status: criteria provided, multiple submitters, no conflicts (2 of 4 stars). 3 submissions from 3 submitters: Uncertain significance (3). Last evaluated 2024-12-25.

Conditions:
Inborn genetic diseases. Identifiers: MedGen C0950123, MeSH D030342.

Allele frequency attached by ClinVar (database versions not stated): ExAC 0.00001; gnomAD 0.00001; gnomAD exomes 0.00003.
gnomAD v4.1: 37 of 1,605,112 alleles (0.0023%); highest among the groups gnomAD compares: Middle Eastern, 0.033%; no homozygotes.

Submissions (3):

Ambry Genetics
Classification: Uncertain significance for Inborn genetic diseases. Last evaluated: 2024-12-25. Review status: criteria provided, single submitter. Criteria: Ambry Variant Classification Scheme 2023. Collection method: clinical testing. Allele origin: germline.

Blueprint Genetics
Classification: Uncertain significance. Last evaluated: 2022-10-04. Review status: criteria provided, single submitter. Criteria: ACMG Guidelines, 2015. Collection method: clinical testing. Allele origin: germline.

Labcorp Genetics (formerly Invitae), Labcorp
Classification: Uncertain significance. Last evaluated: 2022-03-01. Review status: criteria provided, single submitter. Criteria: Invitae Variant Classification Sherloc (09022015). Collection method: clinical testing. Allele origin: germline.
Comment: This sequence change replaces threonine, which is neutral and polar, with isoleucine, which is neutral and non-polar, at codon 6 of the NDUFS6 protein (p.Thr6Ile). This variant is present in population databases (rs754131778, gnomAD 0.003%). This variant has not been reported in the literature in individuals affected with NDUFS6-related conditions. Algorithms developed to predict the effect of missense changes on protein structure and function are either unavailable or do not agree on the potential impact of this missense change (SIFT: "Deleterious"; PolyPhen-2: "Possibly Damaging"; Align-GVGD: "Class C0"). In summary, the available evidence is currently insufficient to determine the role of this variant in disease. Therefore, it has been classified as a Variant of Uncertain Significance.